The following is an entry in ClinVar:

ClinVar aggregate classification (germline): Uncertain significance (1 of 4 stars; one submission).

Allele frequency attached by ClinVar (database versions not stated): gnomAD 0.00003; TOPMed 0.00003.
gnomAD v4.1: 31 of 1,614,050 alleles (0.0019%); highest among the groups gnomAD compares: East Asian, 0.038%; no homozygotes.

Submission:

Labcorp Genetics (formerly Invitae), Labcorp
Classification: Uncertain significance. Last evaluated: 2025-11-10. Review status: criteria provided, single submitter. Criteria: Invitae Variant Classification Sherloc (09022015). Collection method: clinical testing. Allele origin: germline.
Comment: This sequence change replaces threonine, which is neutral and polar, with methionine, which is neutral and non-polar, at codon 1298 of the C5 protein (p.Thr1298Met). This variant is present in population databases (rs750246549, gnomAD 0.1%). This missense change has been observed in individual(s) with atypical hemolytic uremic syndrome (PMID: 37744338). ClinVar contains an entry for this variant (Variation ID: 1900415). Invitae Evidence Modeling of protein sequence and biophysical properties (such as structural, functional, and spatial information, amino acid conservation, physicochemical variation, residue mobility, and thermodynamic stability) indicates that this missense variant is expected to disrupt C5 protein function with a positive predictive value of 80%. In summary, the available evidence is currently insufficient to determine the role of this variant in disease. Therefore, it has been classified as a Variant of Uncertain Significance.

Literature cited by the submitters: PubMed 37744338.

NM_001735.3(C5):c.3893C>T (p.Thr1298Met)

Gene: C5 (complement C5; minus strand). Cytogenetic location: 9q33.2.
Variant type: single nucleotide variant.
Coding change: c.3893C>T on transcript NM_001735.3 (MANE Select); coding-DNA position 3893, C replaced by T.
Protein change: p.Thr1298Met; replaces threonine 1298 with methionine.
Molecular consequence: missense variant.
Genome position (GRCh38, 1-based): chr9:120,974,903, G>A on the plus strand (C>T on the coding strand, the complement: C5 is on the minus strand). VCF-style: chr9-120974903-G-A. GRCh37 (hg19) VCF-style: chr9-123737181-G-A.
Other names: c.3911C>T, p.Thr1304Met (NM_001317163.2); short protein forms T1304M, T1298M.
Identifiers: ClinVar variation 1900415 (VCV001900415.4), dbSNP rs750246549, ClinGen allele CA5217359.
Genomic context (GRCh38, chr9:120,974,903, plus strand): 5'-TTGTAAGAAACATCGATGTCCATACTCAAGCGGAGTTGTTTAACCAGGAGTGAATATTCC[G>A]TCAGGCCCTCAATGGCATTGATTGTGTCCTGTCAGCAATCAGCAAGGCACAAAAATATGT-3'
Protein context (NP_001726.2, residues 1288-1308): QDTINAIEGL[Thr1298Met]EYSLLVKQLR